The following is an entry in ClinVar:

ClinVar aggregate classification (germline): Uncertain significance (1 of 4 stars; one submission).

Allele frequency attached by ClinVar (database versions not stated): gnomAD 0.00001.
gnomAD v4.1: 4 of 1,399,540 alleles (0.00029%); highest among the groups gnomAD compares: Non-Finnish European, 0.00037%; 1 homozygote.

Submission:

Labcorp Genetics (formerly Invitae), Labcorp
Classification: Uncertain significance. Last evaluated: 2024-01-08. Review status: criteria provided, single submitter. Criteria: Invitae Variant Classification Sherloc (09022015). Collection method: clinical testing. Allele origin: germline.
Comment: This sequence change replaces alanine, which is neutral and non-polar, with serine, which is neutral and polar, at codon 553 of the SPEG protein (p.Ala553Ser). This variant is not present in population databases (gnomAD no frequency). This variant has not been reported in the literature in individuals affected with SPEG-related conditions. ClinVar contains an entry for this variant (Variation ID: 1504460). Advanced modeling of protein sequence and biophysical properties (such as structural, functional, and spatial information, amino acid conservation, physicochemical variation, residue mobility, and thermodynamic stability) performed at Invitae indicates that this missense variant is expected to disrupt SPEG protein function with a positive predictive value of 95%. In summary, the available evidence is currently insufficient to determine the role of this variant in disease. Therefore, it has been classified as a Variant of Uncertain Significance.

NM_005876.5(SPEG):c.1657G>T (p.Ala553Ser)

Gene: SPEG (striated muscle enriched protein kinase; plus strand). Cytogenetic location: 2q35.
Variant type: single nucleotide variant.
Coding change: c.1657G>T on transcript NM_005876.5 (MANE Select); coding-DNA position 1657, G replaced by T.
Protein change: p.Ala553Ser; replaces alanine 553 with serine.
Molecular consequence: missense variant.
Genome position (GRCh38, 1-based): chr2:219,448,815, G>T. VCF-style: chr2-219448815-G-T. GRCh37 (hg19) VCF-style: chr2-220313537-G-T.
Other names: short protein forms A553S.
Identifiers: ClinVar variation 1504460 (VCV001504460.8), dbSNP rs1313788403, ClinGen allele CA350722676.